The following is an entry in ClinVar:

NC_000017.10:g.(?_66352788)_(66352965_?)del

Gene: ARSG (arylsulfatase G; plus strand). Cytogenetic location: 17q24.2.
Variant type: Deletion.
Identifiers: ClinVar variation 2426027 (VCV002426027.3).

ClinVar aggregate classification (germline): Uncertain significance (1 of 4 stars; one submission).

Submission:

Labcorp Genetics (formerly Invitae), Labcorp
Classification: Uncertain significance. Last evaluated: 2022-08-13. Review status: criteria provided, single submitter. Criteria: Invitae Variant Classification Sherloc (09022015). Collection method: clinical testing. Allele origin: germline.
Comment: This variant is a gross deletion of the genomic region encompassing exon(s) 6 of the ARSG gene. This variant would be expected to be in-frame, preserving the integrity of the reading frame. This variant has not been reported in the literature in individuals affected with ARSG-related conditions. Experimental studies and prediction algorithms are not available or were not evaluated, and the functional significance of this variant is currently unknown. In summary, the available evidence is currently insufficient to determine the role of this variant in disease. Therefore, it has been classified as a Variant of Uncertain Significance.